The following is an entry in ClinVar:

ClinVar aggregate classification (germline): Uncertain significance (1 of 4 stars; one submission).

Conditions:
Hereditary cancer-predisposing syndrome. Also called: Tumor predisposition; Hereditary neoplastic syndrome; Neoplastic Syndromes, Hereditary; Hereditary Cancer Syndrome. Identifiers: Orphanet 140162, MedGen C0027672, MeSH D009386, MONDO:0015356.

Submission:

Ambry Genetics
Classification: Uncertain significance for Hereditary cancer-predisposing syndrome. Last evaluated: 2025-09-07. Review status: criteria provided, single submitter. Criteria: Ambry Variant Classification Scheme 2023. Collection method: clinical testing. Allele origin: germline.
Comment: The p.S508F variant (also known as c.1523C>T), located in coding exon 17 of the RB1 gene, results from a C to T substitution at nucleotide position 1523. The serine at codon 508 is replaced by phenylalanine, an amino acid with highly dissimilar properties. This amino acid position is not well conserved in available vertebrate species. In addition, this alteration is predicted to be tolerated by in silico analysis. Since supporting evidence is limited at this time, the clinical significance of this alteration remains unclear.

NM_000321.3(RB1):c.1523C>T (p.Ser508Phe)

Gene: RB1 (RB transcriptional corepressor 1; plus strand). Cytogenetic location: 13q14.2.
Variant type: single nucleotide variant.
Coding change: c.1523C>T on transcript NM_000321.3 (MANE Select); coding-DNA position 1523, C replaced by T.
Protein change: p.Ser508Phe; replaces serine 508 with phenylalanine.
Molecular consequence: missense variant.
Genome position (GRCh38, 1-based): chr13:48,381,271, C>T. VCF-style: chr13-48381271-C-T. GRCh37 (hg19) VCF-style: chr13-48955407-C-T.
Other names: short protein forms S508F.
Identifiers: ClinVar variation 819447 (VCV000819447.5), dbSNP rs1204086259, ClinGen allele CA388163359.